The following is an entry in ClinVar:

ClinVar aggregate classification (germline): Uncertain significance (1 of 4 stars; one submission).

Conditions:
RASopathy. Also called: rasopathies; Noonan spectrum disorder. Identifiers: Orphanet 536391, MedGen C5555857, MONDO:0021060.

Submission:

Labcorp Genetics (formerly Invitae), Labcorp
Classification: Uncertain significance for RASopathy. Last evaluated: 2021-04-14. Review status: criteria provided, single submitter. Criteria: Invitae Variant Classification Sherloc (09022015). Collection method: clinical testing. Allele origin: germline.
Comment: In summary, the available evidence is currently insufficient to determine the role of this variant in disease. Therefore, it has been classified as a Variant of Uncertain Significance. Advanced modeling of protein sequence and biophysical properties (such as structural, functional, and spatial information, amino acid conservation, physicochemical variation, residue mobility, and thermodynamic stability) performed at Invitae indicates that this missense variant is not expected to disrupt MAP2K2 protein function. This variant has not been reported in the literature in individuals with MAP2K2-related conditions. This variant is not present in population databases (ExAC no frequency). This sequence change replaces proline with arginine at codon 340 of the MAP2K2 protein (p.Pro340Arg). The proline residue is weakly conserved and there is a moderate physicochemical difference between proline and arginine.

NM_030662.4(MAP2K2):c.1019C>G (p.Pro340Arg)

Gene: MAP2K2 (mitogen-activated protein kinase kinase 2; minus strand). Cytogenetic location: 19p13.3.
Variant type: single nucleotide variant.
Coding change: c.1019C>G on transcript NM_030662.4 (MANE Select); coding-DNA position 1019, C replaced by G.
Protein change: p.Pro340Arg; replaces proline 340 with arginine.
Molecular consequence: missense variant.
Genome position (GRCh38, 1-based): chr19:4,095,415, G>C on the plus strand (C>G on the coding strand, the complement: MAP2K2 is on the minus strand). VCF-style: chr19-4095415-G-C. GRCh37 (hg19) VCF-style: chr19-4095413-G-C.
Other names: short protein forms P340R.
Identifiers: ClinVar variation 1421670 (VCV001421670.8), dbSNP rs1277686711, ClinGen allele CA403383330.